The following is an entry in ClinVar:

NM_004408.4(DNM1):c.184G>C (p.Gly62Arg)

Genes: DNM1 (dynamin 1; plus strand), LOC113839516 (Sharpr-MPRA regulatory region 8497; plus strand). Cytogenetic location: 9q34.11.
Variant type: single nucleotide variant.
Coding change: c.184G>C on transcript NM_004408.4 (MANE Select); coding-DNA position 184, G replaced by C.
Protein change: p.Gly62Arg; replaces glycine 62 with arginine.
Molecular consequence: missense variant.
Genome position (GRCh38, 1-based): chr9:128,218,253, G>C. VCF-style: chr9-128218253-G-C. GRCh37 (hg19) VCF-style: chr9-130980532-G-C.
Other names: c.184G>C, p.Gly62Arg (NM_001005336.3, NM_001288737.2, NM_001288738.2 and 2 more transcripts); short protein forms G62R.
Identifiers: ClinVar variation 5037108 (VCV005037108.1).

ClinVar aggregate classification (germline): Uncertain significance (1 of 4 stars; one submission).

Submission:

GeneDx
Classification: Uncertain significance. Last evaluated: 2026-04-13. Review status: criteria provided, single submitter. Criteria: GeneDx Variant Classification Process June 2021. Collection method: clinical testing. Allele origin: germline.
Comment: Not observed at significant frequency in large population cohorts (gnomAD); In silico analysis supports that this missense variant has a deleterious effect on protein structure/function; Has not been previously published as pathogenic or benign to our knowledge